The following is an entry in ClinVar:

ClinVar aggregate classification (germline): Uncertain significance (1 of 4 stars; one submission).

gnomAD v4.1: 3 of 1,613,904 alleles (0.00019%); highest among the groups gnomAD compares: Non-Finnish European, 0.00025%; no homozygotes.

Submission:

Labcorp Genetics (formerly Invitae), Labcorp
Classification: Uncertain significance. Last evaluated: 2024-12-07. Review status: criteria provided, single submitter. Criteria: Invitae Variant Classification Sherloc (09022015). Collection method: clinical testing. Allele origin: germline.
Comment: This sequence change replaces alanine, which is neutral and non-polar, with threonine, which is neutral and polar, at codon 234 of the CTR9 protein (p.Ala234Thr). This variant is not present in population databases (gnomAD no frequency). This variant has not been reported in the literature in individuals affected with CTR9-related conditions. An algorithm developed to predict the effect of missense changes on protein structure and function (PolyPhen-2) suggests that this variant is likely to be disruptive. In summary, the available evidence is currently insufficient to determine the role of this variant in disease. Therefore, it has been classified as a Variant of Uncertain Significance.

NM_014633.5(CTR9):c.700G>A (p.Ala234Thr)

Gene: CTR9 (CTR9 component of Paf1/RNA polymerase II complex; plus strand). Cytogenetic location: 11p15.4.
Variant type: single nucleotide variant.
Coding change: c.700G>A on transcript NM_014633.5 (MANE Select); coding-DNA position 700, G replaced by A.
Protein change: p.Ala234Thr; replaces alanine 234 with threonine.
Molecular consequence: missense variant.
Genome position (GRCh38, 1-based): chr11:10,760,280, G>A. VCF-style: chr11-10760280-G-A. GRCh37 (hg19) VCF-style: chr11-10781827-G-A.
Other names: c.700G>A, p.Ala234Thr (NM_001346279.2); short protein forms A234T.
Identifiers: ClinVar variation 3726757 (VCV003726757.2).